The following is an entry in ClinVar:

ClinVar aggregate classification (germline): Uncertain significance (1 of 4 stars; one submission).

Allele frequency attached by ClinVar (database versions not stated): TOPMed below 0.00001; gnomAD exomes 0.00001.
gnomAD v4.1: 3 of 1,614,158 alleles (0.00019%); highest among the groups gnomAD compares: East Asian, 0.0022%; no homozygotes.

Submission:

Labcorp Genetics (formerly Invitae), Labcorp
Classification: Uncertain significance. Last evaluated: 2022-07-14. Review status: criteria provided, single submitter. Criteria: Invitae Variant Classification Sherloc (09022015). Collection method: clinical testing. Allele origin: germline.
Comment: In summary, the available evidence is currently insufficient to determine the role of this variant in disease. Therefore, it has been classified as a Variant of Uncertain Significance. This variant has not been reported in the literature in individuals affected with SLC25A38-related conditions. This variant is present in population databases (no rsID available, gnomAD 0.0009%). This sequence change replaces threonine, which is neutral and polar, with isoleucine, which is neutral and non-polar, at codon 243 of the SLC25A38 protein (p.Thr243Ile). Algorithms developed to predict the effect of missense changes on protein structure and function (SIFT, PolyPhen-2, Align-GVGD) all suggest that this variant is likely to be disruptive.

NM_017875.4(SLC25A38):c.728C>T (p.Thr243Ile)

Gene: SLC25A38 (solute carrier family 25 member 38; plus strand). Cytogenetic location: 3p22.1.
Variant type: single nucleotide variant.
Coding change: c.728C>T on transcript NM_017875.4 (MANE Select); coding-DNA position 728, C replaced by T.
Protein change: p.Thr243Ile; replaces threonine 243 with isoleucine.
Molecular consequence: missense variant. On other transcripts: intron variant (1).
Genome position (GRCh38, 1-based): chr3:39,394,512, C>T. VCF-style: chr3-39394512-C-T. GRCh37 (hg19) VCF-style: chr3-39436003-C-T.
Other names: c.626-1886C>T (NM_001354798.2); short protein forms T243I.
Identifiers: ClinVar variation 2016873 (VCV002016873.4), dbSNP rs1334927782, ClinGen allele CA352205350.